The following is an entry in ClinVar:

NM_001126108.2(SLC12A3):c.2069A>T (p.Gln690Leu)

Gene: SLC12A3 (solute carrier family 12 member 3; plus strand). Cytogenetic location: 16q13.
Variant type: single nucleotide variant.
Coding change: c.2069A>T on transcript NM_001126108.2 (MANE Select); coding-DNA position 2069, A replaced by T.
Protein change: p.Gln690Leu; replaces glutamine 690 with leucine.
Molecular consequence: missense variant.
Genome position (GRCh38, 1-based): chr16:56,886,984, A>T. VCF-style: chr16-56886984-A-T. GRCh37 (hg19) VCF-style: chr16-56920896-A-T.
Other names: c.2069A>T, p.Gln690Leu (NM_000339.3); c.2066A>T, p.Gln689Leu (NM_001126107.2, NM_001410896.1); short protein forms Q689L, Q690L.
Identifiers: ClinVar variation 3388913 (VCV003388913.15).

ClinVar aggregate classification (germline): Uncertain significance. Review status: criteria provided, multiple submitters, no conflicts (2 of 4 stars). 2 submissions from 2 submitters: Uncertain significance (2). Last evaluated 2024-11-01.

Conditions:
Familial hypokalemia-hypomagnesemia (GTLMNS). Also called: HYPOMAGNESEMIA-HYPOKALEMIA, PRIMARY RENOTUBULAR, WITH HYPOCALCIURIA; POTASSIUM AND MAGNESIUM DEPLETION; gitelman syndrome. Identifiers: Orphanet 358, MedGen C0268450, MONDO:0009904, OMIM 263800.

Submissions (2):

CeGaT Center for Human Genetics Tuebingen
Classification: Uncertain significance. Last evaluated: 2024-11-01. Review status: criteria provided, single submitter. Criteria: CeGaT Center For Human Genetics Tuebingen Variant Classification Criteria Version 2. Collection method: clinical testing. Allele origin: germline. Affected: yes. Observed: 1 variant allele.
Comment: SLC12A3: PM2, BP4

Fulgent Genetics
Classification: Uncertain significance for Familial hypokalemia-hypomagnesemia. Last evaluated: 2024-02-28. Review status: criteria provided, single submitter. Criteria: ACMG Guidelines, 2015. Collection method: clinical testing. Allele origin: germline.